The following is an entry in ClinVar:

ClinVar aggregate classification (germline): Uncertain significance (1 of 4 stars; one submission).

Submission:

GeneDx
Classification: Uncertain significance. Last evaluated: 2022-04-03. Review status: criteria provided, single submitter. Criteria: GeneDx Variant Classification Process June 2021. Collection method: clinical testing. Allele origin: germline. Affected: yes.
Comment: In silico analysis supports that this missense variant has a deleterious effect on protein structure/function; Not observed at significant frequency in large population cohorts (gnomAD); Has not been previously published as pathogenic or benign to our knowledge

NM_021095.4(SLC5A6):c.1073G>A (p.Cys358Tyr)

Gene: SLC5A6 (solute carrier family 5 member 6; minus strand). Cytogenetic location: 2p23.3.
Variant type: single nucleotide variant.
Coding change: c.1073G>A on transcript NM_021095.4 (MANE Select); coding-DNA position 1073, G replaced by A.
Protein change: p.Cys358Tyr; replaces cysteine 358 with tyrosine.
Molecular consequence: missense variant. On other transcripts: non-coding transcript variant (1).
Genome position (GRCh38, 1-based): chr2:27,203,800, C>T on the plus strand (G>A on the coding strand, the complement: SLC5A6 is on the minus strand). VCF-style: chr2-27203800-C-T. GRCh37 (hg19) VCF-style: chr2-27426668-C-T.
Other names: short protein forms C358Y.
Identifiers: ClinVar variation 1707792 (VCV001707792.2), dbSNP rs1673834327, ClinGen allele CA346170151.
Genomic context (GRCh38, chr2:27,203,800, plus strand): 5'-AGGTGCACCAGGCCTGAGGGAAATCGTTAAAGTGGGTACCTGAGAGAGCCGCTGAAGAGG[C>T]AGGCAATGAAGAGCCCTGGCAGGCCTGGCAGGCCCTTCAGGAGATCCATCACAAAGTACA-3'
Protein context (NP_066918.2, residues 348-368): LPGLPGLFIA[Cys358Tyr]LFSGSLSTIS